The following is an entry in ClinVar:

ClinVar aggregate classification (germline): Likely benign (1 of 4 stars; one submission).

Conditions:
UNC79-related disorder. Also called: UNC79-related condition.

gnomAD v4.1: 98 of 1,614,036 alleles (0.0061%); highest among the groups gnomAD compares: Admixed American, 0.015%; no homozygotes.

Submission:

PreventionGenetics, part of Exact Sciences
Classification: Likely benign for UNC79-related condition. Last evaluated: 2025-04-29. Review status: criteria provided, single submitter. Criteria: ACMG Guidelines, 2015. Collection method: clinical testing. Allele origin: germline.
Comment: This variant is classified as likely benign based on ACMG/AMP sequence variant interpretation guidelines (Richards et al. 2015 PMID: 25741868, with internal and published modifications).

NM_001395159.1(UNC79):c.5196C>T (p.Ser1732=)

Gene: UNC79 (unc-79 subunit of NALCN channel complex; plus strand). Cytogenetic location: 14q32.12.
Variant type: single nucleotide variant.
Coding change: c.5196C>T on transcript NM_001395159.1 (MANE Select); coding-DNA position 5196, C replaced by T.
Protein change: p.Ser1732=; no amino-acid change (serine 1732 retained).
Molecular consequence: synonymous variant.
Genome position (GRCh38, 1-based): chr14:93,622,213, C>T. VCF-style: chr14-93622213-C-T. GRCh37 (hg19) VCF-style: chr14-94088559-C-T.
Other names: c.5130C>T, p.Ser1710= (NM_001346218.2); c.4449C>T, p.Ser1483= (NM_020818.5).
Identifiers: ClinVar variation 4981825 (VCV004981825.1).